The following is an entry in ClinVar:

ClinVar aggregate classification (germline): Pathogenic (1 of 4 stars; one submission).

Conditions:
Autosomal recessive ataxia, Beauce type. Also called: Spinocerebellar ataxia, autosomal recessive 8; ATAXIA, RECESSIVE, OF BEAUCE; SYNE1-Related Autosomal Recessive Cerebellar Ataxia; SYNE1 Deficiency. Identifiers: Orphanet 88644, MedGen C1853116, MONDO:0012549, OMIM 610743.

gnomAD v4.1: 2 of 1,613,922 alleles (0.00012%); highest among the groups gnomAD compares: Non-Finnish European, 0.000085%; no homozygotes.

Submission:

Centre for Mendelian Genomics, University Medical Centre Ljubljana
Classification: Pathogenic for Autosomal recessive ataxia, Beauce type. Last evaluated: 2019-01-10. Review status: criteria provided, single submitter. Criteria: ACMG Guidelines, 2015. Collection method: clinical testing. Allele origin: unknown. Affected: yes.
Comment: This variant was classified as: Pathogenic. The following ACMG criteria were applied in classifying this variant: PVS1,PM2,PP3.

NM_182961.4(SYNE1):c.13948C>T (p.Arg4650Ter)

Gene: SYNE1 (spectrin repeat containing nuclear envelope protein 1; minus strand). Cytogenetic location: 6q25.2.
Variant type: single nucleotide variant.
Coding change: c.13948C>T on transcript NM_182961.4 (MANE Select); coding-DNA position 13948, C replaced by T.
Protein change: p.Arg4650Ter; replaces arginine 4650 with a stop codon.
Molecular consequence: nonsense.
Genome position (GRCh38, 1-based): chr6:152,330,737, G>A on the plus strand (C>T on the coding strand, the complement: SYNE1 is on the minus strand). VCF-style: chr6-152330737-G-A. GRCh37 (hg19) VCF-style: chr6-152651872-G-A.
Other names: c.13735C>T, p.Arg4579Ter (NM_033071.5); short protein forms R4579*, R4650*.
Identifiers: ClinVar variation 930343 (VCV000930343.3), dbSNP rs866163858, ClinGen allele CA150176980.